The following is an entry in ClinVar:

NM_015662.3(IFT172):c.2193+5C>T

Gene: IFT172 (intraflagellar transport 172; minus strand). Cytogenetic location: 2p23.3.
Variant type: single nucleotide variant.
Coding change: c.2193+5C>T on transcript NM_015662.3 (MANE Select); 5 bases into the intron after coding-DNA position 2193, C replaced by T.
Molecular consequence: intron variant.
Genome position (GRCh38, 1-based): chr2:27,461,754, G>A on the plus strand (C>T on the coding strand, the complement: IFT172 is on the minus strand). VCF-style: chr2-27461754-G-A. GRCh37 (hg19) VCF-style: chr2-27684621-G-A.
Identifiers: ClinVar variation 1500679 (VCV001500679.7), dbSNP rs2148507369, ClinGen allele CA2573134621.

ClinVar aggregate classification (germline): Uncertain significance. Review status: criteria provided, multiple submitters, no conflicts (2 of 4 stars). 2 submissions from 2 submitters: Uncertain significance (2). Last evaluated 2024-02-23.

Conditions:
Bardet-Biedl syndrome 20. Identifiers: MedGen C4310707, MONDO:0023670, OMIM 619471, MONDO:0014926.
Short-rib thoracic dysplasia 10 with or without polydactyly (SRTD10). Identifiers: Orphanet 474, MedGen C3810175, MONDO:0014284, OMIM 615630.
Retinitis pigmentosa 71 (RP71). Identifiers: Orphanet 791, MedGen C4225342, MONDO:0014618, OMIM 616394.

gnomAD v4.1: 2 of 1,614,134 alleles (0.00012%); highest among the groups gnomAD compares: South Asian, 0.0011%; no homozygotes.

Submissions (2):

Fulgent Genetics
Classification: Uncertain significance for Short-rib thoracic dysplasia 10 with or without polydactyly; Retinitis pigmentosa 71; Bardet-Biedl syndrome 20. Last evaluated: 2024-02-23. Review status: criteria provided, single submitter. Criteria: ACMG Guidelines, 2015. Collection method: clinical testing. Allele origin: germline.

Labcorp Genetics (formerly Invitae), Labcorp
Classification: Uncertain significance for Retinitis pigmentosa 71; Short-rib thoracic dysplasia 10 with or without polydactyly. Last evaluated: 2021-04-24. Review status: criteria provided, single submitter. Criteria: Invitae Variant Classification Sherloc (09022015). Collection method: clinical testing. Allele origin: germline.
Comment: This variant has not been reported in the literature in individuals with IFT172-related conditions. In summary, the available evidence is currently insufficient to determine the role of this variant in disease. Therefore, it has been classified as a Variant of Uncertain Significance. Nucleotide substitutions within the consensus splice site are a relatively common cause of aberrant splicing (PMID: 17576681, 9536098). Algorithms developed to predict the effect of sequence changes on RNA splicing suggest that this variant is not likely to affect RNA splicing, but this prediction has not been confirmed by published transcriptional studies. This variant is not present in population databases (ExAC no frequency). This sequence change falls in intron 21 of the IFT172 gene. It does not directly change the encoded amino acid sequence of the IFT172 protein. It affects a nucleotide within the consensus splice site of the intron.

Literature cited by the submitters: PubMed 17576681 (cited by Labcorp Genetics (formerly Invitae), Labcorp); PubMed 9536098 (cited by Labcorp Genetics (formerly Invitae), Labcorp).